The following is an entry in ClinVar:

NM_000059.4(BRCA2):c.320G>T (p.Arg107Met)

Gene: BRCA2 (BRCA2 DNA repair associated; plus strand). Cytogenetic location: 13q13.1.
Variant type: single nucleotide variant.
Coding change: c.320G>T on transcript NM_000059.4 (MANE Select); coding-DNA position 320, G replaced by T.
Protein change: p.Arg107Met; replaces arginine 107 with methionine.
Molecular consequence: missense variant. On other transcripts: 5 prime UTR variant (1), non-coding transcript variant (1).
Genome position (GRCh38, 1-based): chr13:32,325,079, G>T. VCF-style: chr13-32325079-G-T. GRCh37 (hg19) VCF-style: chr13-32899216-G-T.
Other names: c.320G>T, p.Arg107Met (NM_001406719.1, NM_001406720.1, NM_001406721.1); c.-50G>T (NM_001406722.1); short protein forms R107M.
Identifiers: ClinVar variation 2774871 (VCV002774871.2), dbSNP rs1172322930, ClinGen allele CA387756489.

ClinVar aggregate classification (germline): Uncertain significance (1 of 4 stars; one submission).

Conditions:
Hereditary cancer-predisposing syndrome. Also called: Neoplastic Syndromes, Hereditary; Tumor predisposition; Hereditary Cancer Syndrome; Hereditary neoplastic syndrome. Identifiers: Orphanet 140162, MedGen C0027672, MeSH D009386, MONDO:0015356.

Submission:

Color Diagnostics, LLC DBA Color Health
Classification: Uncertain significance for Hereditary cancer-predisposing syndrome. Last evaluated: 2023-02-16. Review status: criteria provided, single submitter. Criteria: ACMG Guidelines, 2015. Collection method: clinical testing. Allele origin: germline.
Comment: This missense variant replaces arginine with methionine at codon 107 of the BRCA2 protein. Computational prediction suggests that this variant may not impact protein structure and function (internally defined REVEL score threshold <= 0.5, PMID: 27666373). To our knowledge, functional studies have not been reported for this variant. This variant has not been reported in individuals affected with BRCA2-related disorders in the literature. This variant has not been identified in the general population by the Genome Aggregation Database (gnomAD). The available evidence is insufficient to determine the role of this variant in disease conclusively. Therefore, this variant is classified as a Variant of Uncertain Significance.